The following is an entry in ClinVar:

ClinVar aggregate classification (germline): Uncertain significance (1 of 4 stars; one submission).

Conditions:
Hereditary breast ovarian cancer syndrome. Also called: Hereditary breast and ovarian cancer syndrome; BRCA1- and BRCA2-Associated Hereditary Breast and Ovarian Cancer; Breast and ovarian cancer; Hereditary breast and/or ovarian cancer syndrome; Hereditary breast and ovarian cancer syndrome (HBOC); Hereditary breast and ovarian cancer. Identifiers: Orphanet 145, MedGen C0677776, MeSH D061325, MONDO:0003582. Disease mechanism: loss of function.

Submission:

Labcorp Genetics (formerly Invitae), Labcorp
Classification: Uncertain significance for Hereditary breast ovarian cancer syndrome. Last evaluated: 2022-10-29. Review status: criteria provided, single submitter. Criteria: Invitae Variant Classification Sherloc (09022015). Collection method: clinical testing. Allele origin: germline.
Comment: Studies have shown that this variant is associated with altered splicing resulting in unknown protein product impact (Invitae). In summary, the available evidence is currently insufficient to determine the role of this variant in disease. Therefore, it has been classified as a Variant of Uncertain Significance. ClinVar contains an entry for this variant (Variation ID: 1404619). This variant has not been reported in the literature in individuals affected with BRCA2-related conditions. This variant is not present in population databases (gnomAD no frequency). This sequence change falls in intron 16 of the BRCA2 gene. It does not directly change the encoded amino acid sequence of the BRCA2 protein.

NM_000059.4(BRCA2):c.7805+20T>G

Gene: BRCA2 (BRCA2 DNA repair associated; plus strand). Cytogenetic location: 13q13.1.
Variant type: single nucleotide variant.
Coding change: c.7805+20T>G on transcript NM_000059.4 (MANE Select); 20 bases into the intron after coding-DNA position 7805, T replaced by G.
Molecular consequence: intron variant.
Genome position (GRCh38, 1-based): chr13:32,357,949, T>G. VCF-style: chr13-32357949-T-G. GRCh37 (hg19) VCF-style: chr13-32932086-T-G.
Identifiers: ClinVar variation 1404619 (VCV001404619.8), dbSNP rs748077968, ClinGen allele CA2573149413.
Genomic context (GRCh38, chr13:32,357,949, plus strand): 5'-CCCTCCAATGATGGAAAGGCTGGAAAAGAAGAATTTTATAGGTACTCTATGCAAAAAGAT[T>G]GTGTGTTAACTTTTATGTATTCCCTCATCCCTCTTTCTTCTCTTAACTGTCTCTCGAACT-3'